The following is an entry in ClinVar:

NM_002025.4(AFF2):c.3491C>T (p.Ser1164Leu)

Gene: AFF2 (ALF transcription elongation factor 2; plus strand). Cytogenetic location: Xq28.
Variant type: single nucleotide variant.
Coding change: c.3491C>T on transcript NM_002025.4 (MANE Select); coding-DNA position 3491, C replaced by T.
Protein change: p.Ser1164Leu; replaces serine 1164 with leucine.
Molecular consequence: missense variant.
Genome position (GRCh38, 1-based): chrX:148,978,376, C>T. VCF-style: chrX-148978376-C-T. GRCh37 (hg19) VCF-style: chrX-148059906-C-T.
Other names: c.3386C>T, p.Ser1129Leu (NM_001169122.2, NM_001169124.2); c.3461C>T, p.Ser1154Leu (NM_001169123.2); c.3374C>T, p.Ser1125Leu (NM_001169125.2); c.2414C>T, p.Ser805Leu (NM_001170628.1); short protein forms S1125L, S1129L, S1154L, S1164L, S805L.
Identifiers: ClinVar variation 4846998 (VCV004846998.1).
Genomic context (GRCh38, chrX:148,978,376, plus strand): 5'-TTCACTAAGCACTGGCATTAACAGAAGCCTTTCCTCATCACCACAGCTACCGATGTTTAT[C>T]ACTCCTCTATTTGAGAATGTTTAAGCTGAAGAAGGACCATGCTATGAAGTACTCCAGATC-3'
Protein context (NP_002016.2, residues 1154-1174): KLAVLCYRCL[Ser1164Leu]LLYLRMFKLK

ClinVar aggregate classification (germline): Uncertain significance (1 of 4 stars; one submission).

Conditions:
FRAXE. Also called: Intellectual disability, X-linked, FRAXE type; FRAXE intellectual disability; Intellectual developmental disorder, X-linked 109; Fragile XE syndrome; FRAXE Syndrome. Identifiers: Orphanet 100973, MedGen C0751157, MONDO:0010659, OMIM 309548. Disease mechanism: loss of function.

Submission:

Laboratorio de Genetica e Diagnostico Molecular, Hospital Israelita Albert Einstein
Classification: Uncertain significance for FRAXE. Last evaluated: 2025-08-12. Review status: criteria provided, single submitter. Criteria: ACMG Guidelines, 2015. Collection method: clinical testing. Allele origin: germline. Affected: yes.
Comment: ACMG classification criteria: PM2 supporting, PP3 supporting